The following is an entry in ClinVar:

NM_000260.4(MYO7A):c.4153-8C>A

Gene: MYO7A (myosin VIIA; plus strand). Cytogenetic location: 11q13.5.
Variant type: single nucleotide variant.
Coding change: c.4153-8C>A on transcript NM_000260.4 (MANE Select); 8 bases into the intron before coding-DNA position 4153, C replaced by A.
Molecular consequence: intron variant.
Genome position (GRCh38, 1-based): chr11:77,194,346, C>A. VCF-style: chr11-77194346-C-A. GRCh37 (hg19) VCF-style: chr11-76905391-C-A.
Other names: c.4120-8C>A (NM_001369365.1); c.4153-8C>A (NM_001127180.2).
Identifiers: ClinVar variation 1191313 (VCV001191313.8), dbSNP rs143216377, ClinGen allele CA2499221332.

ClinVar aggregate classification (germline): Conflicting classifications of pathogenicity. Review status: criteria provided, conflicting classifications (1 of 4 stars). 3 submissions from 3 submitters: Uncertain significance (2); Likely benign (1). Last evaluated 2023-08-16.

gnomAD v4.1: 2 of 1,609,776 alleles (0.00012%); highest among the groups gnomAD compares: South Asian, 0.0011%; no homozygotes.

Submissions (3):

Labcorp Genetics (formerly Invitae), Labcorp
Classification: Likely benign. Last evaluated: 2023-08-16. Review status: criteria provided, single submitter. Criteria: Invitae Variant Classification Sherloc (09022015). Collection method: clinical testing. Allele origin: germline.

Blueprint Genetics
Classification: Uncertain significance. Last evaluated: 2021-04-23. Review status: criteria provided, single submitter. Criteria: ACMG Guidelines, 2015. Collection method: clinical testing. Allele origin: germline.

GeneDx
Classification: Uncertain significance. Last evaluated: 2020-01-21. Review status: criteria provided, single submitter. Criteria: GeneDx Variant Classification Process June 2021. Collection method: clinical testing. Allele origin: germline. Affected: yes.
Comment: Not observed at a significant frequency in large population cohorts (Lek et al., 2016); In silico analysis, which includes splice predictors and evolutionary conservation, suggests this variant may impact gene splicing. In the absence of RNA/functional studies, the actual effect of this sequence change is unknown.; Has not been previously published as pathogenic or benign to our knowledge